The following is an entry in ClinVar:

ClinVar aggregate classification (germline): Uncertain significance (1 of 4 stars; one submission).

Conditions:
Tuberous sclerosis 1 (TSC1). Identifiers: Orphanet 805, MedGen C1854465, MONDO:0008612, OMIM 191100.

Submission:

Labcorp Genetics (formerly Invitae), Labcorp
Classification: Uncertain significance for Tuberous sclerosis 1. Last evaluated: 2020-08-05. Review status: criteria provided, single submitter. Criteria: Invitae Variant Classification Sherloc (09022015). Collection method: clinical testing. Allele origin: germline.
Comment: In summary, the available evidence is currently insufficient to determine the role of this variant in disease. Therefore, it has been classified as a Variant of Uncertain Significance. Experimental studies and prediction algorithms are not available or were not evaluated, and the functional significance of this variant is currently unknown. This variant has not been reported in the literature in individuals with TSC1-related conditions. This variant is not present in population databases (ExAC no frequency). This variant, c.2958_2966dup, results in the insertion of 3 amino acid(s) to the TSC1 protein (p.Ala988_Glu990dup), but otherwise preserves the integrity of the reading frame.

NM_000368.5(TSC1):c.2958_2966dup (p.985AAE[3])

Gene: TSC1 (TSC complex subunit 1; minus strand). Cytogenetic location: 9q34.13.
Variant type: Duplication.
Coding change: c.2958_2966dup on transcript NM_000368.5 (MANE Select); coding-DNA positions 2958 to 2966, 9 bases duplicated (TGAAGCAGC; older notation c.2958_2966dupTGAAGCAGC).
Protein change: p.985AAE[3].
Molecular consequence: inframe insertion.
Genome position (GRCh38, 1-based): chr9:132,897,193-132,897,201, GCTGCTTCA duplicated on the plus strand (TGAAGCAGC on the coding strand, the reverse complement: TSC1 is on the minus strand); duplicating any 9 consecutive bases within chr9:132,897,193-132,897,209 gives the same sequence; the c. name uses the placement nearest the transcript's 3' end. VCF-style (leftmost placement, unchanged base first): chr9-132897192-T-TGCTGCTTCA. GRCh37 (hg19) VCF-style: chr9-135772579-T-TGCTGCTTCA.
Other names: c.2955_2963dup, p.984AAE[3] (NM_001162426.2); c.2805_2813dup, p.934AAE[3] (NM_001162427.2); c.2595_2603dup, p.864AAE[3] (NM_001362177.2).
Identifiers: ClinVar variation 1051794 (VCV001051794.9), dbSNP rs2131622960, ClinGen allele CA2499219697.